The following is an entry in ClinVar:

NM_003803.4(MYOM1):c.127T>C (p.Ser43Pro)

Gene: MYOM1 (myomesin 1; minus strand). Cytogenetic location: 18p11.31.
Variant type: single nucleotide variant.
Coding change: c.127T>C on transcript NM_003803.4 (MANE Select); coding-DNA position 127, T replaced by C.
Protein change: p.Ser43Pro; replaces serine 43 with proline.
Molecular consequence: missense variant.
Genome position (GRCh38, 1-based): chr18:3,215,097, A>G on the plus strand (T>C on the coding strand, the complement: MYOM1 is on the minus strand). VCF-style: chr18-3215097-A-G. GRCh37 (hg19) VCF-style: chr18-3215095-A-G.
Other names: c.127T>C, p.Ser43Pro (NM_019856.2); short protein forms S43P.
Identifiers: ClinVar variation 5025272 (VCV005025272.1).
Genomic context (GRCh38, chr18:3,215,097, plus strand): 5'-GACGGAAGGCCTCGGACTCCCGGCGGTGCGCGGCGGAGGAGCGGCTGCTGTAGGCCGTGG[A>G]GCCCTGGGTGTAGACGGCGGAGCGTTTCTTCTCCCGCTGGTAGTGACTCACGGTGCTGCG-3'
Protein context (NP_003794.3, residues 33-53): KKRSAVYTQG[Ser43Pro]TAYSSRSSAA

ClinVar aggregate classification (germline): Uncertain significance (1 of 4 stars; one submission).

gnomAD v4.1: 1 of 1,613,630 alleles (0.000062%); highest among the groups gnomAD compares: African/African-American, 0.0013%; no homozygotes.

Submission:

Ambry Genetics
Classification: Uncertain significance. Last evaluated: 2026-07-13. Review status: criteria provided, single submitter. Criteria: Ambry Variant Classification Scheme 2023. Collection method: clinical testing. Allele origin: germline.
Comment: The p.S43P variant (also known as c.127T>C), located in coding exon 1 of the MYOM1 gene, results from a T to C substitution at nucleotide position 127. The serine at codon 43 is replaced by proline, an amino acid with similar properties. This amino acid position is conserved. In addition, the in silico prediction for this alteration is inconclusive. Based on the available evidence, the clinical significance of this variant remains unclear.